The following is an entry in ClinVar:

ClinVar aggregate classification (germline): Conflicting classifications of pathogenicity. Review status: criteria provided, conflicting classifications (1 of 4 stars). 4 submissions from 4 submitters: Pathogenic (1); Likely pathogenic (2); Uncertain significance (1). Last evaluated 2025-10-27.

Conditions:
Cardiovascular phenotype. Identifiers: MedGen CN230736.
Hyperlipidemia, familial combined, LPL related (FCHL3). Also called: Hyperapobetalipoproteinemia. Identifiers: MedGen C0020474, MONDO:0007759, OMIM 144250, HP:0008158.
Hyperlipoproteinemia, type I. Also called: Hyperlipoproteinemia type 1; Hyperchylomicro-nemia familial; Familial chylomicronemia; Hyperlipemia idiopathic Burger-Grutz type; Lipoprotein Lipase Deficiency; HYPERLIPOPROTEINEMIA, TYPE IA. Identifiers: Orphanet 309015, Orphanet 444490, MedGen C0023817, MONDO:0009387, OMIM 238600. Disease mechanism: loss of function.

Allele frequency attached by ClinVar (database versions not stated): ExAC 0.00001; gnomAD exomes below 0.00001.
gnomAD v4.1: 2 of 1,613,928 alleles (0.00012%); highest among the groups gnomAD compares: Non-Finnish European, 0.00017%; no homozygotes.

Submissions (4):

Women's Health and Genetics/Laboratory Corporation of America, LabCorp
Classification: Uncertain significance. Last evaluated: 2025-10-27. Review status: criteria provided, single submitter. Criteria: LabCorp Variant Classification Summary - May 2015. Collection method: clinical testing. Allele origin: germline.
Comment: Variant summary: LPL c.242G>A (p.Gly81Asp) results in a non-conservative amino acid change in the encoded protein sequence. Algorithms developed to predict the effect of missense changes on protein structure and function all suggest that this variant is likely to be disruptive. The variant allele was found at a frequency of 4e-06 in 251252 control chromosomes. c.242G>A has been observed in the homozygous or presumed compound heterozygous state in at least 2 individual(s) affected with Familial Lipoprotein Lipase Deficiency (example, Rabacchi_2015, Hegel_2018) as well as an unknown state in at least 1 individual with a personal history of coronary artery disease (Khera_2017). These data indicate that the variant may be associated with disease. To our knowledge, no experimental evidence demonstrating an impact on protein function has been reported. The following publications have been ascertained in the context of this evaluation (PMID: 28267856, 39858602, 35309119, 27055971, 25966443, 32041611, 36325899, 25936310, 23357145, 34544385, 29748148). ClinVar contains an entry for this variant (Variation ID: 1339047). Based on the evidence outlined above, the variant was classified as VUS-possibly pathogenic.

Ambry Genetics
Classification: Likely pathogenic for Cardiovascular phenotype. Last evaluated: 2023-05-23. Review status: criteria provided, single submitter. Criteria: Ambry Variant Classification Scheme 2023. Collection method: clinical testing. Allele origin: germline.
Comment: The p.G81D variant (also known as c.242G>A), located in coding exon 2 of the LPL gene, results from a G to A substitution at nucleotide position 242. The glycine at codon 81 is replaced by aspartic acid, an amino acid with similar properties. This alteration has been reported as homozygous and as a compound heterozygote in subjects with features consistent with chylomicronemia syndrome (Stefanutti C et al. Atheroscler Suppl, 2013 Jan;14:73-6; Rabacchi C et al. Atherosclerosis, 2015 Jul;241:79-86; Hegele RA et al. J Clin Lipidol, 2018 Apr;12:920-927.e4). This variant is considered to be rare based on population cohorts in the Genome Aggregation Database (gnomAD). This amino acid position is highly conserved in available vertebrate species. In addition, this alteration is predicted to be deleterious by in silico analysis. Based on the majority of available evidence to date, this variant is likely to be pathogenic.

Mendelics
Classification: Pathogenic for Hyperlipidemia, familial combined, LPL related. Last evaluated: 2022-05-04. Review status: criteria provided, single submitter. Criteria: Mendelics Assertion Criteria 2019. Collection method: clinical testing. Allele origin: germline.

Neuberg Centre For Genomic Medicine, NCGM
Classification: Likely pathogenic for Hyperlipoproteinemia, type I. Review status: criteria provided, single submitter. Criteria: ACMG Guidelines, 2015. Collection method: clinical testing. Allele origin: germline. Affected: yes.
Comment: The missense variant p.G81D in LPL (NM_000237.3) has been reported previously as a pathogenic variant in patients with severe hyperchylomicronemia (Stefanutti et al., 2013; Hegele et al., 2018). The missense variant c.242G>A (p.G81D) in LPL (NM_000237.3) is observed in 1/113558 (0.0009%) alleles from individuals of European (Non-Finnish) background in the gnomAD dataset (Exome Aggregation Consortium et al., 2016), but was not seen in the homozygous state. The p.G81D missense variant is predicted to be damaging by both SIFT and PolyPhen2. The glycine residue at codon 81 of LPL is conserved in all mammalian species. The nucleotide c.242 in LPL is predicted conserved by GERP++ and PhyloP across 100 vertebrates. For these reasons, this variant has been classified as Likely Pathogenic

Literature cited by the submitters: PubMed 25966443 (cited by Women's Health and Genetics/Laboratory Corporation of America, LabCorp and Ambry Genetics); PubMed 27055971 (cited by Women's Health and Genetics/Laboratory Corporation of America, LabCorp and Ambry Genetics); PubMed 32041611 (cited by Women's Health and Genetics/Laboratory Corporation of America, LabCorp); PubMed 28267856 (cited by Women's Health and Genetics/Laboratory Corporation of America, LabCorp); PubMed 35309119 (cited by Women's Health and Genetics/Laboratory Corporation of America, LabCorp); PubMed 34544385 (cited by Women's Health and Genetics/Laboratory Corporation of America, LabCorp); PubMed 36325899 (cited by Women's Health and Genetics/Laboratory Corporation of America, LabCorp); PubMed 29748148 (cited by Women's Health and Genetics/Laboratory Corporation of America, LabCorp and Ambry Genetics); PubMed 39858602 (cited by Women's Health and Genetics/Laboratory Corporation of America, LabCorp); PubMed 25936310 (cited by Women's Health and Genetics/Laboratory Corporation of America, LabCorp); PubMed 23357145 (cited by Women's Health and Genetics/Laboratory Corporation of America, LabCorp and Ambry Genetics).

NM_000237.3(LPL):c.242G>A (p.Gly81Asp)

Gene: LPL (lipoprotein lipase; plus strand). Cytogenetic location: 8p21.3.
Variant type: single nucleotide variant.
Coding change: c.242G>A on transcript NM_000237.3 (MANE Select); coding-DNA position 242, G replaced by A.
Protein change: p.Gly81Asp; replaces glycine 81 with aspartic acid.
Molecular consequence: missense variant.
Genome position (GRCh38, 1-based): chr8:19,948,333, G>A. VCF-style: chr8-19948333-G-A. GRCh37 (hg19) VCF-style: chr8-19805844-G-A.
Other names: c.242G>A (NM_000237.2); short protein forms G81D.
Identifiers: ClinVar variation 1339047 (VCV001339047.6), dbSNP rs762007406, ClinGen allele CA4655344.